The following is an entry in ClinVar:

NM_004655.4(AXIN2):c.251C>T (p.Ser84Phe)

Gene: AXIN2 (axin 2; minus strand). Cytogenetic location: 17q24.1.
Variant type: single nucleotide variant.
Coding change: c.251C>T on transcript NM_004655.4 (MANE Select); coding-DNA position 251, C replaced by T.
Protein change: p.Ser84Phe; replaces serine 84 with phenylalanine.
Molecular consequence: missense variant.
Genome position (GRCh38, 1-based): chr17:65,558,370, G>A on the plus strand (C>T on the coding strand, the complement: AXIN2 is on the minus strand). VCF-style: chr17-65558370-G-A. GRCh37 (hg19) VCF-style: chr17-63554488-G-A.
Other names: c.251C>T (LRG_296t1); c.251C>T, p.Ser84Phe (NM_001363813.1); short protein forms S84F.
Identifiers: ClinVar variation 655471 (VCV000655471.12), dbSNP rs878854729, ClinGen allele CA400681809.

ClinVar aggregate classification (germline): Conflicting classifications of pathogenicity. Review status: criteria provided, conflicting classifications (1 of 4 stars). 2 submissions from 2 submitters: Uncertain significance (1); Likely benign (1). Last evaluated 2025-07-29.

Conditions:
Oligodontia-cancer predisposition syndrome. Also called: TOOTH AGENESIS-COLORECTAL CANCER SYNDROME. Identifiers: Orphanet 300576, MedGen C1837750, MONDO:0012075, OMIM 608615. Disease mechanism: loss of function.
Hereditary cancer-predisposing syndrome. Also called: Hereditary neoplastic syndrome; Tumor predisposition; Neoplastic Syndromes, Hereditary; Hereditary Cancer Syndrome. Identifiers: Orphanet 140162, MedGen C0027672, MeSH D009386, MONDO:0015356.

gnomAD v4.1: 1 of 1,612,852 alleles (0.000062%); highest among the groups gnomAD compares: South Asian, 0.0011%; no homozygotes.

Submissions (2):

Ambry Genetics
Classification: Likely benign for Hereditary cancer-predisposing syndrome. Last evaluated: 2025-07-29. Review status: criteria provided, single submitter. Criteria: Ambry Variant Classification Scheme 2023. Collection method: clinical testing. Allele origin: germline.

Labcorp Genetics (formerly Invitae), Labcorp
Classification: Uncertain significance for Oligodontia-cancer predisposition syndrome. Last evaluated: 2022-09-07. Review status: criteria provided, single submitter. Criteria: Invitae Variant Classification Sherloc (09022015). Collection method: clinical testing. Allele origin: germline.
Comment: In summary, the available evidence is currently insufficient to determine the role of this variant in disease. Therefore, it has been classified as a Variant of Uncertain Significance. Algorithms developed to predict the effect of missense changes on protein structure and function (SIFT, PolyPhen-2, Align-GVGD) all suggest that this variant is likely to be tolerated. ClinVar contains an entry for this variant (Variation ID: 655471). This variant has not been reported in the literature in individuals affected with AXIN2-related conditions. This variant is not present in population databases (gnomAD no frequency). This sequence change replaces serine, which is neutral and polar, with phenylalanine, which is neutral and non-polar, at codon 84 of the AXIN2 protein (p.Ser84Phe).